The following is an entry in ClinVar:

NM_005902.4(SMAD3):c.747C>T (p.His249=)

Gene: SMAD3 (SMAD family member 3; plus strand). Cytogenetic location: 15q22.33.
Variant type: single nucleotide variant.
Coding change: c.747C>T on transcript NM_005902.4 (MANE Select); coding-DNA position 747, C replaced by T.
Protein change: p.His249=; no amino-acid change (histidine 249 retained).
Molecular consequence: synonymous variant.
Genome position (GRCh38, 1-based): chr15:67,181,329, C>T. VCF-style: chr15-67181329-C-T. GRCh37 (hg19) VCF-style: chr15-67473667-C-T.
Other names: c.432C>T, p.His144= (NM_001145102.2); c.615C>T, p.His205= (NM_001145103.2); c.162C>T, p.His54= (NM_001145104.2).
Identifiers: ClinVar variation 926542 (VCV000926542.17), dbSNP rs139907582, ClinGen allele CA062644.
Genomic context (GRCh38, chr15:67,181,329, plus strand): 5'-GGCCTTCTGGTGCTCCATCTCCTACTACGAGCTGAACCAGCGCGTCGGGGAGACATTCCA[C>T]GCCTCGCAGCCATCCATGACTGTGGATGGCTTCACCGACCCCTCCAATTCGGAGCGCTTC-3'
Protein context (NP_005893.1, residues 239-259): ELNQRVGETF[His249=]ASQPSMTVDG

ClinVar aggregate classification (germline): Likely benign. Review status: criteria provided, multiple submitters, no conflicts (2 of 4 stars). 6 submissions from 6 submitters: Likely benign (6). Last evaluated 2026-04-01.

Conditions:
Aneurysm-osteoarthritis syndrome. Also called: SMAD3-Related Loeys-Dietz Syndrome; ANEURYSMS-OSTEOARTHRITIS SYNDROME; LOEYS-DIETZ SYNDROME WITH OSTEOARTHRITIS; Loeys-Dietz syndrome, type 1C. Identifiers: Orphanet 284984, MedGen C3151087, MONDO:0013426, OMIM 613795.
Familial thoracic aortic aneurysm and aortic dissection (TAAD). Also called: Thoracic aortic aneurysms and dissections. Identifiers: Orphanet 91387, MedGen C4707243, MONDO:0019625.

Allele frequency attached by ClinVar (database versions not stated): gnomAD exomes 0.00002 and 0.00009; ExAC 0.00012; 1000 Genomes Project 30x 0.00016; TOPMed 0.00020; gnomAD 0.00024 and 0.00025; ESP Exome Variant Server 0.00038.
gnomAD v4.1: 65 of 1,614,118 alleles (0.004%); highest among the groups gnomAD compares: African/African-American, 0.059%; no homozygotes.

Submissions (6):

CeGaT Center for Human Genetics Tuebingen
Classification: Likely benign. Last evaluated: 2026-04-01. Review status: criteria provided, single submitter. Criteria: CeGaT Center For Human Genetics Tuebingen Variant Classification Criteria Version 2. Collection method: clinical testing. Allele origin: germline. Affected: yes. Observed: 1 variant allele.
Comment: SMAD3: BP4, BP7

Labcorp Genetics (formerly Invitae), Labcorp
Classification: Likely benign for Familial thoracic aortic aneurysm and aortic dissection. Last evaluated: 2025-08-11. Review status: criteria provided, single submitter. Criteria: Invitae Variant Classification Sherloc (09022015). Collection method: clinical testing. Allele origin: germline.

All of Us Research Program, National Institutes of Health
Classification: Likely benign for Aneurysm-osteoarthritis syndrome. Last evaluated: 2023-12-13. Review status: criteria provided, single submitter. Criteria: ACMG Guidelines, 2015. Collection method: clinical testing. Allele origin: germline. Inheritance: Autosomal dominant inheritance. Observed: 10 variant alleles, 10 heterozygotes.
Comment: This study involves interpretation of variants in research participants for the purpose of population health screening. Participant phenotype was not available at the time of variant classification. Additional details can be found in publication PMID: 35346344, PMCID: PMC8962531

Color Diagnostics, LLC DBA Color Health
Classification: Likely benign for Familial thoracic aortic aneurysm and aortic dissection. Last evaluated: 2019-03-11. Review status: criteria provided, single submitter. Criteria: ACMG Guidelines, 2015. Collection method: clinical testing. Allele origin: germline.

Ambry Genetics
Classification: Likely benign for Familial thoracic aortic aneurysm and aortic dissection. Last evaluated: 2018-05-17. Review status: criteria provided, single submitter. Criteria: Ambry Variant Classification Scheme 2023. Collection method: clinical testing. Allele origin: germline.

Breakthrough Genomics
Classification: Likely benign. Review status: criteria provided, single submitter. Criteria: ACMG Guidelines, 2015. Collection method: not provided. Allele origin: germline. Inheritance: Autosomal dominant inheritance. Affected: yes.